The following is an entry in ClinVar:

ClinVar aggregate classification (germline): Uncertain significance. Review status: criteria provided, multiple submitters, no conflicts (2 of 4 stars). 2 submissions from 2 submitters: Uncertain significance (2). Last evaluated 2022-01-06.

Conditions:
Chédiak-Higashi syndrome (CHS). Also called: Chediak-Higashi Syndrome. Identifiers: Orphanet 167, MedGen C0007965, MONDO:0008963, OMIM 214500.

Allele frequency attached by ClinVar (database versions not stated): ExAC 0.00001; gnomAD exomes 0.00002; gnomAD 0.00003; TOPMed 0.00003.
gnomAD v4.1: 36 of 1,613,918 alleles (0.0022%); highest among the groups gnomAD compares: Non-Finnish European, 0.0028%; no homozygotes.

Submissions (2):

Labcorp Genetics (formerly Invitae), Labcorp
Classification: Uncertain significance for Chédiak-Higashi syndrome. Last evaluated: 2022-01-06. Review status: criteria provided, single submitter. Criteria: Invitae Variant Classification Sherloc (09022015). Collection method: clinical testing. Allele origin: germline.
Comment: This sequence change replaces histidine, which is basic and polar, with glutamine, which is neutral and polar, at codon 512 of the LYST protein (p.His512Gln). This variant is present in population databases (rs774419277, gnomAD 0.004%). This variant has not been reported in the literature in individuals affected with LYST-related conditions. Algorithms developed to predict the effect of missense changes on protein structure and function are either unavailable or do not agree on the potential impact of this missense change (SIFT: "Tolerated"; PolyPhen-2: "Probably Damaging"; Align-GVGD: "Class C0"). In summary, the available evidence is currently insufficient to determine the role of this variant in disease. Therefore, it has been classified as a Variant of Uncertain Significance.

Revvity Omics, Revvity
Classification: Uncertain significance for Chédiak-Higashi syndrome. Last evaluated: 2020-01-03. Review status: criteria provided, single submitter. Criteria: ACMG Guidelines, 2015. Collection method: clinical testing. Allele origin: germline.

NM_000081.4(LYST):c.1536T>A (p.His512Gln)

Gene: LYST (lysosomal trafficking regulator; minus strand). Cytogenetic location: 1q42.3.
Variant type: single nucleotide variant.
Coding change: c.1536T>A on transcript NM_000081.4 (MANE Select); coding-DNA position 1536, T replaced by A.
Protein change: p.His512Gln; replaces histidine 512 with glutamine.
Molecular consequence: missense variant.
Genome position (GRCh38, 1-based): chr1:235,809,282, A>T on the plus strand (T>A on the coding strand, the complement: LYST is on the minus strand). VCF-style: chr1-235809282-A-T. GRCh37 (hg19) VCF-style: chr1-235972582-A-T.
Other names: c.1536T>A, p.His512Gln (NM_001301365.1); short protein forms H512Q.
Identifiers: ClinVar variation 1956879 (VCV001956879.5), dbSNP rs774419277, ClinGen allele CA1467454.